The following is an entry in ClinVar:

ClinVar aggregate classification (germline): Uncertain significance (1 of 4 stars; one submission).

Submission:

Women's Health and Genetics/Laboratory Corporation of America, LabCorp
Classification: Uncertain significance. Last evaluated: 2025-09-24. Review status: criteria provided, single submitter. Criteria: LabCorp Variant Classification Summary - May 2015. Collection method: clinical testing. Allele origin: germline.
Comment: Variant summary: TSHR c.1575C>G (p.Phe525Leu) results in a non-conservative amino acid change in the encoded protein sequence. Algorithms developed to predict the effect of missense changes on protein structure and function are either unavailable or do not agree on the potential impact of this missense change. The variant was absent in 251298 control chromosomes (gnomAD). The available data on variant occurrences in the general population are insufficient to allow any conclusion about variant significance. c.1575C>G has been observed in at least one individual affected with thyroid-stimulating hormone resistance (De Roux_1996, Xie_1997). These data do not allow any conclusion about variant significance. At least one publication reports experimental evidence evaluating an impact on protein function. These results showed no damaging effect of this variant (De Roux_1996). The following publications have been ascertained in the context of this evaluation (PMID: 8954020, 9398691). ClinVar contains an entry for this variant (Variation ID: 6443). Based on the evidence outlined above, the variant was classified as uncertain significance.

Literature cited by the submitters: PubMed 8954020; PubMed 9398691.

NM_000369.5(TSHR):c.1575C>G (p.Phe525Leu)

Genes: TSHR (thyroid stimulating hormone receptor; plus strand), TSHR-AS1 (TSHR antisense RNA 1; minus strand). Cytogenetic location: 14q31.1.
Variant type: single nucleotide variant.
Coding change: c.1575C>G on transcript NM_000369.5 (MANE Select); coding-DNA position 1575, C replaced by G.
Protein change: p.Phe525Leu; replaces phenylalanine 525 with leucine.
Molecular consequence: missense variant.
Genome position (GRCh38, 1-based): chr14:81,143,633, C>G. VCF-style: chr14-81143633-C-G. GRCh37 (hg19) VCF-style: chr14-81609977-C-G.
Other names: short protein forms F525L.
Identifiers: ClinVar variation 4535973 (VCV004535973.1).
Genomic context (GRCh38, chr14:81,143,633, plus strand): 5'-CGAGTTATCGGTGTATACGCTGACGGTCATCACCCTGGAGCGCTGGTATGCCATCACCTT[C>G]GCCATGCGCCTGGACCGGAAGATCCGCCTCAGGCACGCATGTGCCATCATGGTTGGGGGC-3'
Protein context (NP_000360.2, residues 515-535): ITLERWYAIT[Phe525Leu]AMRLDRKIRL